The following is an entry in ClinVar:

ClinVar aggregate classification (germline): Uncertain significance (1 of 4 stars; one submission).

gnomAD v4.1: 22 of 1,613,946 alleles (0.0014%); highest among the groups gnomAD compares: South Asian, 0.0088%; no homozygotes.

Submission:

Labcorp Genetics (formerly Invitae), Labcorp
Classification: Uncertain significance. Last evaluated: 2025-11-04. Review status: criteria provided, single submitter. Criteria: Invitae Variant Classification Sherloc (09022015). Collection method: clinical testing. Allele origin: germline.
Comment: This sequence change replaces alanine, which is neutral and non-polar, with threonine, which is neutral and polar, at codon 2754 of the CELSR2 protein (p.Ala2754Thr). This variant is present in population databases (rs774869109, gnomAD 0.007%). This variant has not been reported in the literature in individuals affected with CELSR2-related conditions. An algorithm developed to predict the effect of missense changes on protein structure and function outputs the following: PolyPhen-2: "Benign". The threonine amino acid residue is found in multiple mammalian species, which suggests that this missense change does not adversely affect protein function. In summary, the available evidence is currently insufficient to determine the role of this variant in disease. Therefore, it has been classified as a Variant of Uncertain Significance.

NM_001408.3(CELSR2):c.8260G>A (p.Ala2754Thr)

Gene: CELSR2 (cadherin EGF LAG seven-pass G-type receptor 2; plus strand). Cytogenetic location: 1p13.3.
Variant type: single nucleotide variant.
Coding change: c.8260G>A on transcript NM_001408.3 (MANE Select); coding-DNA position 8260, G replaced by A.
Protein change: p.Ala2754Thr; replaces alanine 2754 with threonine.
Molecular consequence: missense variant.
Genome position (GRCh38, 1-based): chr1:109,272,949, G>A. VCF-style: chr1-109272949-G-A. GRCh37 (hg19) VCF-style: chr1-109815571-G-A.
Other names: short protein forms A2754T.
Identifiers: ClinVar variation 4750831 (VCV004750831.1).